The following is an entry in ClinVar:

ClinVar aggregate classification (germline): Likely pathogenic (1 of 4 stars; one submission).

Submission:

Labcorp Genetics (formerly Invitae), Labcorp
Classification: Likely pathogenic. Last evaluated: 2023-04-15. Review status: criteria provided, single submitter. Criteria: Invitae Variant Classification Sherloc (09022015). Collection method: clinical testing. Allele origin: germline.
Comment: In summary, the currently available evidence indicates that the variant is pathogenic, but additional data are needed to prove that conclusively. Therefore, this variant has been classified as Likely Pathogenic. Algorithms developed to predict the effect of sequence changes on RNA splicing suggest that this variant may disrupt the consensus splice site. This variant has not been reported in the literature in individuals affected with AGXT-related conditions. This variant is not present in population databases (gnomAD no frequency). This sequence change affects an acceptor splice site in intron 2 of the AGXT gene. It is expected to disrupt RNA splicing. Variants that disrupt the donor or acceptor splice site typically lead to a loss of protein function (PMID: 16199547), and loss-of-function variants in AGXT are known to be pathogenic (PMID: 19479957).

Literature cited by the submitters: PubMed 16199547; PubMed 19479957.

NM_000030.3(AGXT):c.359-1G>A

Gene: AGXT (alanine--glyoxylate aminotransferase; plus strand). Cytogenetic location: 2q37.3.
Variant type: single nucleotide variant.
Coding change: c.359-1G>A on transcript NM_000030.3 (MANE Select); the canonical splice acceptor site of the intron before coding-DNA position 359, G replaced by A.
Molecular consequence: splice acceptor variant.
Genome position (GRCh38, 1-based): chr2:240,870,643, G>A. VCF-style: chr2-240870643-G-A. GRCh37 (hg19) VCF-style: chr2-241810060-G-A.
Identifiers: ClinVar variation 2856505 (VCV002856505.3), dbSNP rs2528742818, ClinGen allele CA351314255.